The following is an entry in ClinVar:

NM_001377229.1(DISP1):c.3413del (p.Gly1138fs)

Gene: DISP1 (dispatched RND transporter family member 1; plus strand). Cytogenetic location: 1q41.
Variant type: Deletion.
Coding change: c.3413del on transcript NM_001377229.1 (MANE Select); coding-DNA position 3413, one base deleted (G; older notation c.3413delG).
Protein change: p.Gly1138fs; shifts the reading frame from glycine 1138.
Molecular consequence: frameshift variant.
Genome position (GRCh38, 1-based): chr1:223,004,810, G deleted; the last of 3 consecutive G bases (chr1:223,004,808-223,004,810); deleting any one gives the same sequence. VCF-style (leftmost placement, unchanged base first): chr1-223004807-AG-A. GRCh37 (hg19) VCF-style: chr1-223178149-AG-A.
Other names: c.2684del, p.Gly895fs (NM_001350630.2); c.3413del, p.Gly1138fs (NM_001369594.1, NM_001377228.1, NM_032890.5); short protein forms G1138fs, G895fs.
Identifiers: ClinVar variation 1064558 (VCV001064558.3), dbSNP rs1220999915, ClinGen allele CA529462436.

ClinVar aggregate classification (germline): Uncertain significance. Review status: criteria provided, multiple submitters, no conflicts (2 of 4 stars). 2 submissions from 2 submitters: Uncertain significance (2). Last evaluated 2021-01-22.

Conditions:
Microform holoprosencephaly. Identifiers: Orphanet 280200, MedGen C5393309, MONDO:0017219.

Submissions (2):

GeneDx
Classification: Uncertain significance. Last evaluated: 2021-01-22. Review status: criteria provided, single submitter. Criteria: GeneDx Variant Classification Process June 2021. Collection method: clinical testing. Allele origin: germline. Affected: yes.
Comment: Not observed at a significant frequency in large population cohorts (Lek et al., 2016); Frameshift variant predicted to result in protein truncation as the last 387 amino acids are replaced with 35 different amino acids, although loss-of-function variants have not been reported downstream of this position in the protein; Has not been previously published as pathogenic or benign to our knowledge

UNC Molecular Genetics  Laboratory, University of North Carolina at Chapel Hill
Classification: Uncertain significance for Microform holoprosencephaly. Last evaluated: 2020-04-01. Review status: criteria provided, single submitter. Criteria: ACMG Guidelines, 2015. Collection method: research. Allele origin: maternal. Observed: 1 variant allele. Study: CSER_NCGENES.
Comment: The DISP1 c.3413del (p.Gly1138Valfs*36) is a frameshift variant resulting in a premature termination codon in exon 10 of 10 of the encoded transcript. Despite this frameshift variant occurring in the last exon, it is expected to result in a loss of ~25% of the protein, which may be associated with loss of protein function. This variant has been detected with a minor allele frequency of 0.0004% (1/249,916 alleles) in the gnomAD human population database. This variant is considered a variant of uncertain significance.